The following is an entry in ClinVar:

NM_024675.4(PALB2):c.172T>C (p.Leu58=)

Gene: PALB2 (partner and localizer of BRCA2; minus strand). Cytogenetic location: 16p12.2.
Variant type: single nucleotide variant.
Coding change: c.172T>C on transcript NM_024675.4 (MANE Select); coding-DNA position 172, T replaced by C.
Protein change: p.Leu58=; no amino-acid change (leucine 58 retained).
Molecular consequence: synonymous variant.
Genome position (GRCh38, 1-based): chr16:23,637,889, A>G on the plus strand (T>C on the coding strand, the complement: PALB2 is on the minus strand). VCF-style: chr16-23637889-A-G. GRCh37 (hg19) VCF-style: chr16-23649210-A-G.
Identifiers: ClinVar variation 743919 (VCV000743919.11), dbSNP rs1597101395, ClinGen allele CA494167576.

ClinVar aggregate classification (germline): Benign/Likely benign. Review status: criteria provided, multiple submitters, no conflicts (2 of 4 stars). 3 submissions from 3 submitters: Benign (1); Likely benign (2). Last evaluated 2025-01-09.

Conditions:
Familial cancer of breast. Also called: BREAST CANCER, FAMILIAL; hereditary breast carcinoma; Hereditary breast cancer. Identifiers: Orphanet 227535, MedGen C0346153, MONDO:0016419, OMIM 114480. Disease mechanism: loss of function.
Hereditary cancer-predisposing syndrome. Also called: Neoplastic Syndromes, Hereditary; Hereditary Cancer Syndrome; Tumor predisposition; Hereditary neoplastic syndrome. Identifiers: Orphanet 140162, MedGen C0027672, MeSH D009386, MONDO:0015356.

Allele frequency attached by ClinVar (database versions not stated): gnomAD exomes below 0.00001; TOPMed below 0.00001.
gnomAD v4.1: 2 of 1,614,050 alleles (0.00012%); highest among the groups gnomAD compares: Middle Eastern, 0.017%; no homozygotes.

Submissions (3):

Myriad Genetics, Inc.
Classification: Benign for Familial cancer of breast. Last evaluated: 2025-01-09. Review status: criteria provided, single submitter. Criteria: Myriad Autosomal Dominant, Autosomal Recessive and X-Linked Classification Criteria (2023). Collection method: clinical testing. Allele origin: unknown.
Comment: This variant is considered benign. This variant is a silent/synonymous amino acid change and it is not expected to impact splicing.

Labcorp Genetics (formerly Invitae), Labcorp
Classification: Likely benign for Familial cancer of breast. Last evaluated: 2023-10-22. Review status: criteria provided, single submitter. Criteria: Invitae Variant Classification Sherloc (09022015). Collection method: clinical testing. Allele origin: germline.

Ambry Genetics
Classification: Likely benign for Hereditary cancer-predisposing syndrome. Last evaluated: 2023-07-13. Review status: criteria provided, single submitter. Criteria: Ambry Variant Classification Scheme 2023. Collection method: clinical testing. Allele origin: germline.